The following is an entry in ClinVar:

ClinVar aggregate classification (germline): Uncertain significance. Review status: criteria provided, multiple submitters, no conflicts (2 of 4 stars). 2 submissions from 2 submitters: Uncertain significance (2). Last evaluated 2022-03-22.

Conditions:
Intestinal pseudoobstruction, neuronal, chronic idiopathic, X-linked (CIIPX). Also called: CONGENITAL IDIOPATHIC INTESTINAL PSEUDOOBSTRUCTION; INTESTINAL PSEUDOOBSTRUCTION, NEURONAL, CHRONIC IDIOPATHIC, WITH CENTRAL NERVOUS SYSTEM INVOLVEMENT; FLNA-Related Periventricular Nodular Heterotopia (FLNA-Related PVNH; Huttenlocher Syndrome). Identifiers: Orphanet 2301, MedGen C2746068, MONDO:0010232, OMIM 300048.
Oto-palato-digital syndrome, type I (OPD1). Also called: OPD I SYNDROME; OPD SYNDROME 1; Taybi syndrome; Otopalatodigital Syndrome Type 1 (FLNA-OPD1); Otopalatodigital Syndrome, Type I. Identifiers: Orphanet 669, Orphanet 90650, MedGen C0265251, MONDO:0010704, OMIM 311300.
Cardiac valvular dysplasia, X-linked (CVDPX). Also called: MYXOMATOUS VALVULAR DYSTROPHY, X-LINKED; VALVULAR HEART DISEASE, CONGENITAL; Congenital valvular dysplasia; Isolated X-Linked Cardiac Valvular Dysplasia; FLNA-Related X-linked Cardiac Valvular Dysplasia. Identifiers: Orphanet 1864, Orphanet 555877, Orphanet 75497, MedGen C0262436, MONDO:0010753, OMIM 314400.
Terminal osseous dysplasia-pigmentary defects syndrome. Also called: ODPD; TERMINAL OSSEOUS DYSPLASIA AND PIGMENTARY DEFECTS; ODPF SYNDROME; OSSEOUS DYSPLASIA, DIGITAL, WITH FACIAL PIGMENTARY DEFECTS AND MULTIPLE FRENULA; Terminal Osseous Dysplasia (FLNA-TOD). Identifiers: Orphanet 88630, MedGen C1846129, MONDO:0010279, OMIM 300244.
Heterotopia, periventricular, X-linked dominant (PVNH1). Also called: PERIVENTRICULAR NODULAR HETEROTOPIA 1; X-linked periventricular heterotopia; PERIVENTRICULAR NODULAR HETEROTOPIA 4; HETEROTOPIA, PERIVENTRICULAR, 1. Identifiers: Orphanet 2149, Orphanet 82004, MedGen C1848213, MONDO:0010233, OMIM 300049.
Oto-palato-digital syndrome, type II (OPD2). Also called: FACIOPALATOOSSEOUS SYNDROME; OPD II SYNDROME; Otopalatodigital Syndrome Type 2 (FLNA-OPD2); Otopalatodigital Syndrome, Type II. Identifiers: Orphanet 669, Orphanet 90652, MedGen C1844696, MONDO:0010571, OMIM 304120.
Frontometaphyseal dysplasia 1 (FMD1). Also called: Frontometaphyseal Dysplasia (FLNA-FMD). Identifiers: Orphanet 1826, MedGen C4281559, MONDO:0024550, OMIM 305620.
FG syndrome 2 (FGS2). Identifiers: MedGen C1845902, MONDO:0010297, OMIM 300321.
Melnick-Needles syndrome (MNS). Also called: MELNICK-NEEDLES OSTEODYSPLASTY; OSTEODYSPLASTY OF MELNICK AND NEEDLES; Melnick-Needles Syndrome (FLNA-MNS). Identifiers: Orphanet 2484, MedGen C0025237, MONDO:0010650, OMIM 309350.

Submissions (2):

Fulgent Genetics
Classification: Uncertain significance for Intestinal pseudoobstruction, neuronal, chronic idiopathic, X-linked; Heterotopia, periventricular, X-linked dominant; Terminal osseous dysplasia-pigmentary defects syndrome; FG syndrome 2; Oto-palato-digital syndrome, type II; Frontometaphyseal dysplasia 1; Melnick-Needles syndrome; Oto-palato-digital syndrome, type I; Cardiac valvular dysplasia, X-linked. Last evaluated: 2022-03-22. Review status: criteria provided, single submitter. Criteria: ACMG Guidelines, 2015. Collection method: clinical testing. Allele origin: unknown.

GeneDx
Classification: Uncertain significance. Last evaluated: 2022-01-06. Review status: criteria provided, single submitter. Criteria: GeneDx Variant Classification Process June 2021. Collection method: clinical testing. Allele origin: germline. Affected: yes.
Comment: Not observed at significant frequency in large population cohorts (gnomAD); In silico analysis supports that this missense variant has a deleterious effect on protein structure/function; Has not been previously published as pathogenic or benign to our knowledge

NM_001110556.2(FLNA):c.4730A>G (p.Glu1577Gly)

Gene: FLNA (filamin A; minus strand). Cytogenetic location: Xq28.
Variant type: single nucleotide variant.
Coding change: c.4730A>G on transcript NM_001110556.2 (MANE Select); coding-DNA position 4730, A replaced by G.
Protein change: p.Glu1577Gly; replaces glutamic acid 1577 with glycine.
Molecular consequence: missense variant.
Genome position (GRCh38, 1-based): chrX:154,358,224, T>C on the plus strand (A>G on the coding strand, the complement: FLNA is on the minus strand). VCF-style: chrX-154358224-T-C. GRCh37 (hg19) VCF-style: chrX-153586592-T-C.
Other names: c.4730A>G, p.Glu1577Gly (NM_001456.4); short protein forms E1577G.
Identifiers: ClinVar variation 1695738 (VCV001695738.3), dbSNP rs2148110326, ClinGen allele CA415214594.